The following is an entry in ClinVar:

NM_000925.4(PDHB):c.419T>A (p.Val140Glu)

Gene: PDHB (pyruvate dehydrogenase E1 subunit beta; minus strand). Cytogenetic location: 3p14.3.
Variant type: single nucleotide variant.
Coding change: c.419T>A on transcript NM_000925.4 (MANE Select); coding-DNA position 419, T replaced by A.
Protein change: p.Val140Glu; replaces valine 140 with glutamic acid.
Molecular consequence: missense variant. On other transcripts: non-coding transcript variant (1), intron variant (1).
Genome position (GRCh38, 1-based): chr3:58,430,827, A>T on the plus strand (T>A on the coding strand, the complement: PDHB is on the minus strand). VCF-style: chr3-58430827-A-T. GRCh37 (hg19) VCF-style: chr3-58416554-A-T.
Other names: c.365T>A, p.Val122Glu (NM_001315536.2); c.403+16T>A (NM_001173468.2); short protein forms V140E, V122E.
Identifiers: ClinVar variation 214951 (VCV000214951.2), dbSNP rs863224158, ClinGen allele CA322033.

ClinVar aggregate classification (germline): Likely pathogenic (1 of 4 stars; one submission).

Allele frequency attached by ClinVar (database versions not stated): gnomAD exomes below 0.00001.
gnomAD v4.1: 1 of 1,614,234 alleles (0.000062%); highest among the groups gnomAD compares: Non-Finnish European, 0.000085%; no homozygotes.

Submission:

GeneDx
Classification: Likely pathogenic. Last evaluated: 2014-07-08. Review status: criteria provided, single submitter. Criteria: GeneDx Variant Classification (06012015). Collection method: clinical testing. Allele origin: germline. Affected: yes.
Comment: p.Val140Glu (GTG>GAG): c.419 T>A in exon 6 of the PDHB gene (NM_000925.3) The V140E variant has not been published as a mutation, nor has it been reported as a benign polymorphism to our knowledge. The V140E variant is a non-conservative amino acid substitution, which is likely to impact secondary protein structure as these residues differ in polarity, charge, size and/or other properties. This substitution occurs at a position that is conserved across species. In silico analysis predicts this variant is probably damaging to the protein structure/function. A missense mutation in a nearby residue (I142M) has been reported in association with pyruvate dehydrogenase deficiency, supporting the functional importance of this region of the protein. Therefore, this variant is a strong candidate for a pathogenic mutation, however the possibility that it is a benign variant cannot be excluded. The variant is found in MITONUC-MITOP panel(s).